The following is an entry in ClinVar:

NM_000077.5(CDKN2A):c.71G>T (p.Arg24Leu)

Gene: CDKN2A (cyclin dependent kinase inhibitor 2A; minus strand). Cytogenetic location: 9p21.3.
Variant type: single nucleotide variant.
Coding change: c.71G>T on transcript NM_000077.5; coding-DNA position 71, G replaced by T.
Protein change: p.Arg24Leu; replaces arginine 24 with leucine.
Molecular consequence: missense variant (on NM_000077.6). On other transcripts: intron variant (2).
Genome position (GRCh38, 1-based): chr9:21,974,757, C>A on the plus strand (G>T on the coding strand, the complement: CDKN2A is on the minus strand). VCF-style: chr9-21974757-C-A. GRCh37 (hg19) VCF-style: chr9-21974756-C-A.
Other names: c.71G>T, p.Arg24Leu (NM_000077.6, NM_001195132.2, NM_058197.5); c.-3-3549G>T (NM_001363763.2); c.194-3549G>T (NM_058195.4); short protein forms R24L.
Identifiers: ClinVar variation 532272 (VCV000532272.10), dbSNP rs104894097, ClinGen allele CA373086616.
Genomic context (GRCh38, chr9:21,974,757, plus strand): 5'-TAACTATTCGGTGCGTTGGGCAGCGCCCCCGCCTCCAGCAGCGCCCGCACCTCCTCTACC[C>A]GACCCCGGGCCGCGGCCGTGGCCAGCCAGTCAGCCGAAGGCTCCATGCTGCTCCCCGCCG-3'
Protein context (NP_000068.1, residues 14-34): DWLATAAARG[Arg24Leu]VEEVRALLEA

ClinVar aggregate classification (germline): Uncertain significance. Review status: criteria provided, multiple submitters, no conflicts (2 of 4 stars). 3 submissions from 3 submitters: Uncertain significance (3). Last evaluated 2025-09-10.

Conditions:
Hereditary cancer-predisposing syndrome. Also called: Hereditary neoplastic syndrome; Tumor predisposition; Neoplastic Syndromes, Hereditary; Hereditary Cancer Syndrome. Identifiers: Orphanet 140162, MedGen C0027672, MeSH D009386, MONDO:0015356.
Familial melanoma. Also called: Hereditary melanoma; Hereditary cutaneous melanoma. Identifiers: Orphanet 618, MedGen C1512419, MONDO:0018961.
Melanoma and neural system tumor syndrome. Also called: MELANOMA-ASTROCYTOMA SYNDROME. Identifiers: Orphanet 252206, MedGen C1835042, MONDO:0007967, OMIM 155755.

Submissions (3):

Ambry Genetics
Classification: Uncertain significance for Hereditary cancer-predisposing syndrome. Last evaluated: 2025-09-10. Review status: criteria provided, single submitter. Criteria: Ambry Variant Classification Scheme 2023. Collection method: clinical testing. Allele origin: germline.
Comment: The p.R24L variant (also known as c.71G>T), located in coding exon 1 of the CDKN2A gene, results from a G to T substitution at nucleotide position 71. The arginine at codon 24 is replaced by leucine, an amino acid with dissimilar properties. This amino acid position is not well conserved in available vertebrate species. In addition, this alteration is predicted to be tolerated by in silico analysis. Based on the available evidence, the clinical significance of this variant remains unclear.

Labcorp Genetics (formerly Invitae), Labcorp
Classification: Uncertain significance for Familial melanoma. Last evaluated: 2024-10-10. Review status: criteria provided, single submitter. Criteria: Invitae Variant Classification Sherloc (09022015). Collection method: clinical testing. Allele origin: germline.
Comment: This sequence change replaces arginine, which is basic and polar, with leucine, which is neutral and non-polar, at codon 24 of the CDKN2A (p16INK4a) protein (p.Arg24Leu). This variant is not present in population databases (gnomAD no frequency). This variant has not been reported in the literature in individuals affected with CDKN2A (p16INK4a)-related conditions. ClinVar contains an entry for this variant (Variation ID: 532272). An algorithm developed to predict the effect of missense changes on protein structure and function (PolyPhen-2) suggests that this variant¬†is likely to be tolerated. This variant disrupts the p.Arg24 amino acid residue in CDKN2A (p16INK4a). Other variant(s) that disrupt this residue have been determined to be pathogenic (PMID: 8570179, 9516223, 11595726, 20340136, 21462282, 23190892). This suggests that this residue is clinically significant, and that variants that disrupt this residue are likely to be disease-causing. In summary, the available evidence is currently insufficient to determine the role of this variant in disease. Therefore, it has been classified as a Variant of Uncertain Significance.

Baylor Genetics
Classification: Uncertain significance for Melanoma and neural system tumor syndrome. Last evaluated: 2023-12-28. Review status: criteria provided, single submitter. Criteria: ACMG Guidelines, 2015. Collection method: clinical testing. Allele origin: unknown.

Literature cited by the submitters: PubMed 8570179 (cited by Labcorp Genetics (formerly Invitae), Labcorp); PubMed 9516223 (cited by Labcorp Genetics (formerly Invitae), Labcorp); PubMed 11595726 (cited by Labcorp Genetics (formerly Invitae), Labcorp); PubMed 20340136 (cited by Labcorp Genetics (formerly Invitae), Labcorp); PubMed 21462282 (cited by Labcorp Genetics (formerly Invitae), Labcorp); PubMed 23190892 (cited by Labcorp Genetics (formerly Invitae), Labcorp).